The following is an entry in ClinVar:

NM_003184.4(TAF2):c.1655A>T (p.Tyr552Phe)

Gene: TAF2 (TATA-box binding protein associated factor 2; minus strand). Cytogenetic location: 8q24.12.
Variant type: single nucleotide variant.
Coding change: c.1655A>T on transcript NM_003184.4 (MANE Select); coding-DNA position 1655, A replaced by T.
Protein change: p.Tyr552Phe; replaces tyrosine 552 with phenylalanine.
Molecular consequence: missense variant.
Genome position (GRCh38, 1-based): chr8:119,788,818, T>A on the plus strand (A>T on the coding strand, the complement: TAF2 is on the minus strand). VCF-style: chr8-119788818-T-A. GRCh37 (hg19) VCF-style: chr8-120801058-T-A.
Other names: short protein forms Y552F.
Identifiers: ClinVar variation 436940 (VCV000436940.46), dbSNP rs149772375, ClinGen allele CA4857255.

ClinVar aggregate classification (germline): Likely benign. Review status: criteria provided, multiple submitters, no conflicts (2 of 4 stars). 6 submissions from 6 submitters: Likely benign (6). Last evaluated 2026-08-01.

Conditions:
Microcephaly-thin corpus callosum-intellectual disability syndrome (NEDFCF). Also called: NEURODEVELOPMENTAL DISORDER WITH FEEDING DIFFICULTIES, THIN CORPUS CALLOSUM, AND FOOT DEFORMITY; Intellectual developmental disorder, autosomal recessive 40. Identifiers: Orphanet 397951, MedGen C3810080, MONDO:0014273, OMIM 615599.

Allele frequency attached by ClinVar (database versions not stated): 1000 Genomes Project 30x 0.00141; 1000 Genomes Project 0.00160; gnomAD 0.00172; ESP Exome Variant Server 0.00200; TOPMed 0.00254.
gnomAD v4.1: 3,919 of 1,613,806 alleles (0.24%); highest among the groups gnomAD compares: Middle Eastern, 0.61%; 15 homozygotes.

Submissions (6):

CeGaT Center for Human Genetics Tuebingen
Classification: Likely benign. Last evaluated: 2026-08-01. Review status: criteria provided, single submitter. Criteria: CeGaT Center For Human Genetics Tuebingen Variant Classification Criteria Version 2. Collection method: clinical testing. Allele origin: germline. Affected: yes. Observed: 19 variant alleles.
Comment: TAF2: BS2

Labcorp Genetics (formerly Invitae), Labcorp
Classification: Likely benign. Last evaluated: 2026-01-19. Review status: criteria provided, single submitter. Criteria: Invitae Variant Classification Sherloc (09022015). Collection method: clinical testing. Allele origin: germline.

Blueprint Genetics
Classification: Likely benign. Last evaluated: 2024-11-19. Review status: criteria provided, single submitter. Criteria: ACMG Guidelines, 2015. Collection method: clinical testing. Allele origin: germline.

Fulgent Genetics
Classification: Likely benign for Microcephaly-thin corpus callosum-intellectual disability syndrome. Last evaluated: 2022-02-10. Review status: criteria provided, single submitter. Criteria: ACMG Guidelines, 2015. Collection method: clinical testing. Allele origin: unknown.

Genetic Services Laboratory, University of Chicago
Classification: Likely benign. Last evaluated: 2018-08-13. Review status: criteria provided, single submitter. Criteria: ACMG Guidelines, 2015. Collection method: clinical testing. Allele origin: germline. Affected: no.

Breakthrough Genomics
Classification: Likely benign. Review status: criteria provided, single submitter. Criteria: ACMG Guidelines, 2015. Collection method: not provided. Allele origin: germline. Inheritance: Autosomal recessive inheritance. Affected: yes.